The following is an entry in ClinVar:

NM_002168.4(IDH2):c.29C>T (p.Ser10Leu)

Genes: IDH2 (isocitrate dehydrogenase (NADP(+)) 2; minus strand), IDH2-DT (IDH2 divergent transcript; plus strand). Cytogenetic location: 15q26.1.
Variant type: single nucleotide variant.
Coding change: c.29C>T on transcript NM_002168.4 (MANE Select); coding-DNA position 29, C replaced by T.
Protein change: p.Ser10Leu; replaces serine 10 with leucine.
Molecular consequence: missense variant. On other transcripts: non-coding transcript variant (1), 5 prime UTR variant (1).
Genome position (GRCh38, 1-based): chr15:90,102,362, G>A on the plus strand (C>T on the coding strand, the complement: IDH2 is on the minus strand). VCF-style: chr15-90102362-G-A. GRCh37 (hg19) VCF-style: chr15-90645594-G-A.
Other names: c.-104C>T (NM_001290114.2); short protein forms S10L.
Identifiers: ClinVar variation 1505546 (VCV001505546.8), dbSNP rs1234438811, ClinGen allele CA393803725.

ClinVar aggregate classification (germline): Uncertain significance (1 of 4 stars; one submission).

Conditions:
D-2-hydroxyglutaric aciduria 2 (D2HGA2). Identifiers: Orphanet 79315, MedGen C3150909, MONDO:0013345, OMIM 613657.

Allele frequency attached by ClinVar (database versions not stated): TOPMed below 0.00001; gnomAD 0.00001.
gnomAD v4.1: 20 of 1,367,756 alleles (0.0015%); highest among the groups gnomAD compares: East Asian, 0.0096%; no homozygotes.

Submission:

Labcorp Genetics (formerly Invitae), Labcorp
Classification: Uncertain significance for D-2-hydroxyglutaric aciduria 2. Last evaluated: 2025-05-27. Review status: criteria provided, single submitter. Criteria: Invitae Variant Classification Sherloc (09022015). Collection method: clinical testing. Allele origin: germline.
Comment: This sequence change replaces serine, which is neutral and polar, with leucine, which is neutral and non-polar, at codon 10 of the IDH2 protein (p.Ser10Leu). This variant is not present in population databases (gnomAD no frequency). This variant has not been reported in the literature in individuals affected with IDH2-related conditions. ClinVar contains an entry for this variant (Variation ID: 1505546). An algorithm developed to predict the effect of missense changes on protein structure and function outputs the following: PolyPhen-2: "Benign". The leucine amino acid residue is found in multiple mammalian species, which suggests that this missense change does not adversely affect protein function. In summary, the available evidence is currently insufficient to determine the role of this variant in disease. Therefore, it has been classified as a Variant of Uncertain Significance.